The following is an entry in ClinVar:

ClinVar aggregate classification (germline): Conflicting classifications of pathogenicity. Review status: criteria provided, conflicting classifications (1 of 4 stars). 2 submissions from 2 submitters: Likely pathogenic (1); Uncertain significance (1). Last evaluated 2023-12-08.

Conditions:
Hypertrophic cardiomyopathy 25 (CMH25). Also called: CARDIOMYOPATHY, FAMILIAL HYPERTROPHIC, 25. Identifiers: MedGen C4225408, MONDO:0011843, OMIM 607487.
Primary familial hypertrophic cardiomyopathy (HCM). Identifiers: Orphanet 99739, MedGen C0949658, MeSH D024741, MONDO:0024573. Inheritance: Various modes of inheritance.

gnomAD v4.1: 3 of 1,612,052 alleles (0.00019%); highest among the groups gnomAD compares: Non-Finnish European, 0.00017%; no homozygotes.

Submissions (2):

Revvity Omics, Revvity
Classification: Likely pathogenic. Last evaluated: 2023-12-08. Review status: criteria provided, single submitter. Criteria: ACMG Guidelines, 2015. Collection method: clinical testing. Allele origin: germline.

Labcorp Genetics (formerly Invitae), Labcorp
Classification: Uncertain significance for Hypertrophic cardiomyopathy 25; Primary familial hypertrophic cardiomyopathy. Last evaluated: 2023-07-27. Review status: criteria provided, single submitter. Criteria: Invitae Variant Classification Sherloc (09022015). Collection method: clinical testing. Allele origin: germline.
Comment: In summary, the available evidence is currently insufficient to determine the role of this variant in disease. Therefore, it has been classified as a Variant of Uncertain Significance. This sequence change falls in intron 1 of the TCAP gene. It does not directly change the encoded amino acid sequence of the TCAP protein. It affects a nucleotide within the consensus splice site. The frequency data for this variant in the population databases is considered unreliable, as metrics indicate poor data quality at this position in the gnomAD database. This variant has been observed in individual(s) with TCAP-related conditions (Invitae). Variants that disrupt the consensus splice site are a relatively common cause of aberrant splicing (PMID: 17576681, 9536098). Algorithms developed to predict the effect of sequence changes on RNA splicing suggest that this variant may disrupt the consensus splice site.

Literature cited by the submitters: PubMed 17576681 (cited by Labcorp Genetics (formerly Invitae), Labcorp); PubMed 9536098 (cited by Labcorp Genetics (formerly Invitae), Labcorp).

NM_003673.4(TCAP):c.110+5G>C

Gene: TCAP (titin-cap; plus strand). Cytogenetic location: 17q12.
Variant type: single nucleotide variant.
Coding change: c.110+5G>C on transcript NM_003673.4 (MANE Select); 5 bases into the intron after coding-DNA position 110, G replaced by C.
Molecular consequence: intron variant.
Genome position (GRCh38, 1-based): chr17:39,665,474, G>C. VCF-style: chr17-39665474-G-C. GRCh37 (hg19) VCF-style: chr17-37821727-G-C.
Identifiers: ClinVar variation 2928100 (VCV002928100.4), dbSNP rs794729178, ClinGen allele CA625938828.
Genomic context (GRCh38, chr17:39,665,474, plus strand): 5'-GAGGCCTTCTGGGCAGAATGGAAGGATCTGACACTGTCCACACGGCCCGAGGAGGGGTGA[G>C]TGTGGGTCTGCTAGAGCCCTGCCTCTGCTCCCCCAGAGCACCCTCACTGAGCCATGAGGC-3'